The following is an entry in ClinVar:

ClinVar aggregate classification (germline): Uncertain significance (1 of 4 stars; one submission).

Submission:

Labcorp Genetics (formerly Invitae), Labcorp
Classification: Uncertain significance. Last evaluated: 2022-06-15. Review status: criteria provided, single submitter. Criteria: Invitae Variant Classification Sherloc (09022015). Collection method: clinical testing. Allele origin: germline.
Comment: In summary, the available evidence is currently insufficient to determine the role of this variant in disease. Therefore, it has been classified as a Variant of Uncertain Significance. Advanced modeling of protein sequence and biophysical properties (such as structural, functional, and spatial information, amino acid conservation, physicochemical variation, residue mobility, and thermodynamic stability) performed at Invitae indicates that this missense variant is expected to disrupt CACNA1B protein function. This variant has not been reported in the literature in individuals affected with CACNA1B-related conditions. This variant is not present in population databases (gnomAD no frequency). This sequence change replaces phenylalanine, which is neutral and non-polar, with cysteine, which is neutral and slightly polar, at codon 646 of the CACNA1B protein (p.Phe646Cys).

NM_000718.4(CACNA1B):c.1937T>G (p.Phe646Cys)

Gene: CACNA1B (calcium voltage-gated channel subunit alpha1 B; plus strand). Cytogenetic location: 9q34.3.
Variant type: single nucleotide variant.
Coding change: c.1937T>G on transcript NM_000718.4 (MANE Select); coding-DNA position 1937, T replaced by G.
Protein change: p.Phe646Cys; replaces phenylalanine 646 with cysteine.
Molecular consequence: missense variant.
Genome position (GRCh38, 1-based): chr9:137,986,817, T>G. VCF-style: chr9-137986817-T-G. GRCh37 (hg19) VCF-style: chr9-140881269-T-G.
Other names: c.1937T>G, p.Phe646Cys (NM_001243812.2); short protein forms F646C.
Identifiers: ClinVar variation 2007128 (VCV002007128.4), dbSNP rs2539297699, ClinGen allele CA375808240.